The following is an entry in ClinVar:

NM_001378615.1(CC2D2A):c.4066-94C>T

Genes: CC2D2A (coiled-coil and C2 domain containing 2A; plus strand), FBXL5 (F-box and leucine rich repeat protein 5; minus strand). Cytogenetic location: 4p15.32.
Variant type: single nucleotide variant.
Coding change: c.4066-94C>T on transcript NM_001378615.1 (MANE Select); 94 bases into the intron before coding-DNA position 4066, C replaced by T.
Molecular consequence: intron variant.
Genome position (GRCh38, 1-based): chr4:15,587,722, C>T. VCF-style: chr4-15587722-C-T. GRCh37 (hg19) VCF-style: chr4-15589345-C-T.
Other names: c.4066-94C>T (NM_001080522.2); c.3919-94C>T (NM_001378617.1).
Identifiers: ClinVar variation 674723 (VCV000674723.2), dbSNP rs28419165, ClinGen allele CA15327796.

ClinVar aggregate classification (germline): Benign. Review status: criteria provided, multiple submitters, no conflicts (2 of 4 stars). 2 submissions from 2 submitters: Benign (2). Last evaluated 2018-06-14.

Allele frequency attached by ClinVar (database versions not stated): gnomAD 0.27380 and 0.27690; TOPMed 0.27568; 1000 Genomes Project 30x 0.29669; gnomAD exomes 0.29760; 1000 Genomes Project 0.30172.
gnomAD v4.1: 202,094 of 689,934 alleles (29%); highest among the groups gnomAD compares: East Asian, 40%; 30,417 homozygotes.

Submissions (2):

GeneDx
Classification: Benign. Last evaluated: 2018-06-14. Review status: criteria provided, single submitter. Criteria: GeneDx Variant Classification (06012015). Collection method: clinical testing. Allele origin: germline. Affected: yes.
Comment: This variant is considered likely benign or benign based on one or more of the following criteria: it is a conservative change, it occurs at a poorly conserved position in the protein, it is predicted to be benign by multiple in silico algorithms, and/or has population frequency not consistent with disease.

Breakthrough Genomics
Classification: Benign. Review status: criteria provided, single submitter. Criteria: ACMG Guidelines, 2015. Collection method: not provided. Allele origin: germline. Inheritance: Autosomal recessive inheritance. Affected: yes.